The following is an entry in ClinVar:

NM_003072.5(SMARCA4):c.4262C>A (p.Ser1421Tyr)

Gene: SMARCA4 (SWI/SNF related BAF chromatin remodeling complex subunit ATPase 4; plus strand). Cytogenetic location: 19p13.2.
Variant type: single nucleotide variant.
Coding change: c.4262C>A on transcript NM_003072.5 (MANE Select); coding-DNA position 4262, C replaced by A.
Protein change: p.Ser1421Tyr; replaces serine 1421 with tyrosine.
Molecular consequence: missense variant. On other transcripts: non-coding transcript variant (1).
Genome position (GRCh38, 1-based): chr19:11,041,398, C>A. VCF-style: chr19-11041398-C-A. GRCh37 (hg19) VCF-style: chr19-11152074-C-A.
Other names: c.4262C>A, p.Ser1421Tyr (NM_001128844.3); c.4172C>A, p.Ser1391Tyr (NM_001128845.2, NM_001128846.2); c.4163C>A, p.Ser1388Tyr (NM_001128847.4, NM_001128848.2, NM_001374457.1); c.4358C>A, p.Ser1453Tyr (NM_001128849.3, NM_001387283.1); c.4259C>A, p.Ser1420Tyr (NM_001411150.1); short protein forms S1391Y, S1420Y, S1453Y, S1421Y, S1388Y.
Identifiers: ClinVar variation 3320747 (VCV003320747.2).
Genomic context (GRCh38, chr19:11,041,398, plus strand): 5'-AAGAGGAGGTCCGGCAGAAGAAATCATCACGGAAGCGCAAGCGAGACAGCGACGCCGGCT[C>A]CTCCACCCCGACCACCAGCACCCGCAGCCGCGACAAGGACGACGAGAGCAAGAAGCAGAA-3'
Protein context (NP_003063.2, residues 1411-1431): RKRKRDSDAG[Ser1421Tyr]STPTTSTRSR

ClinVar aggregate classification (germline): Uncertain significance. Review status: criteria provided, multiple submitters, no conflicts (2 of 4 stars). 2 submissions from 2 submitters: Uncertain significance (2). Last evaluated 2025-03-19.

Conditions:
Rhabdoid tumor predisposition syndrome 2 (RTPS2). Identifiers: Orphanet 231108, Orphanet 69077, MedGen C2750074, MONDO:0013224, OMIM 613325.
Hereditary cancer-predisposing syndrome. Also called: Neoplastic Syndromes, Hereditary; Tumor predisposition; Hereditary neoplastic syndrome; Hereditary Cancer Syndrome. Identifiers: Orphanet 140162, MedGen C0027672, MeSH D009386, MONDO:0015356.

gnomAD v4.1: 1 of 1,612,514 alleles (0.000062%); no homozygotes.

Submissions (2):

Labcorp Genetics (formerly Invitae), Labcorp
Classification: Uncertain significance for Rhabdoid tumor predisposition syndrome 2. Last evaluated: 2025-03-19. Review status: criteria provided, single submitter. Criteria: Invitae Variant Classification Sherloc (09022015). Collection method: clinical testing. Allele origin: germline.
Comment: This sequence change replaces serine, which is neutral and polar, with tyrosine, which is neutral and polar, at codon 1453 of the SMARCA4 protein (p.Ser1453Tyr). This variant is not present in population databases (gnomAD no frequency). This variant has not been reported in the literature in individuals affected with SMARCA4-related conditions. ClinVar contains an entry for this variant (Variation ID: 3320747). An algorithm developed to predict the effect of missense changes on protein structure and function (PolyPhen-2) suggests that this variant is likely to be tolerated. In summary, the available evidence is currently insufficient to determine the role of this variant in disease. Therefore, it has been classified as a Variant of Uncertain Significance.

Ambry Genetics
Classification: Uncertain significance for Hereditary cancer-predisposing syndrome. Last evaluated: 2024-05-22. Review status: criteria provided, single submitter. Criteria: Ambry Variant Classification Scheme 2023. Collection method: clinical testing. Allele origin: germline.
Comment: The p.S1453Y variant (also known as c.4358C>A), located in coding exon 30 of the SMARCA4 gene, results from a C to A substitution at nucleotide position 4358. The serine at codon 1453 is replaced by tyrosine, an amino acid with dissimilar properties. This amino acid position is conserved. In addition, the in silico prediction for this alteration is inconclusive. Based on the available evidence, the clinical significance of this variant remains unclear.